The following is an entry in ClinVar:

ClinVar aggregate classification (germline): Uncertain significance. Review status: criteria provided, multiple submitters, no conflicts (2 of 4 stars). 3 submissions from 3 submitters: Uncertain significance (3). Last evaluated 2026-08-06.

Conditions:
Hepatocellular carcinoma (HCC). Also called: Primary carcinoma of liver; HEPATOMA; LIVER CELL CARCINOMA. Identifiers: Orphanet 88673, MedGen C2239176, MONDO:0007256, OMIM 114550, HP:0001402.
Familial adenomatous polyposis 1 (FAP1). Also called: POLYPOSIS, ADENOMATOUS INTESTINAL; FAMILIAL ADENOMATOUS POLYPOSIS 1, ATTENUATED. Identifiers: MedGen C2713442, MONDO:0021056, OMIM 175100. Disease mechanism: loss of function.
Hereditary cancer-predisposing syndrome. Also called: Hereditary Cancer Syndrome; Hereditary neoplastic syndrome; Neoplastic Syndromes, Hereditary; Tumor predisposition. Identifiers: Orphanet 140162, MedGen C0027672, MeSH D009386, MONDO:0015356.

Submissions (3):

OLLIN Analises Genomicas, OLLIN
Classification: Uncertain significance for Hepatocellular carcinoma. Last evaluated: 2026-08-06. Review status: criteria provided, single submitter. Criteria: ACMG Guidelines 2015 PMID 25741868. Collection method: clinical testing. Allele origin: germline. Inheritance: Autosomal dominant inheritance.
Comment: This missense variant, located in exon 16 (of 16), is absent from gnomAD and has not been identified in the literature. However, it has been reported in ClinVar (accession VCV001003805.50). In silico analysis is inconclusive regarding the impact of this variant. This gene has high tolerance to missense variation. According to the currently available evidence, this variant has been classified as uncertain significance (PM2_P, BP1).

Labcorp Genetics (formerly Invitae), Labcorp
Classification: Uncertain significance for Familial adenomatous polyposis 1. Last evaluated: 2020-01-23. Review status: criteria provided, single submitter. Criteria: Invitae Variant Classification Sherloc (09022015). Collection method: clinical testing. Allele origin: germline.
Comment: This variant has not been reported in the literature in individuals with APC-related conditions. In summary, the available evidence is currently insufficient to determine the role of this variant in disease. Therefore, it has been classified as a Variant of Uncertain Significance. Algorithms developed to predict the effect of sequence changes on RNA splicing suggest that this variant may create or strengthen a splice site, but this prediction has not been confirmed by published transcriptional studies. Algorithms developed to predict the effect of missense changes on protein structure and function (SIFT, PolyPhen-2, Align-GVGD) all suggest that this variant is likely to be tolerated, but these predictions have not been confirmed by published functional studies and their clinical significance is uncertain. This variant is not present in population databases (ExAC no frequency). This sequence change replaces arginine with lysine at codon 1876 of the APC protein (p.Arg1876Lys). The arginine residue is highly conserved and there is a small physicochemical difference between arginine and lysine.

Ambry Genetics
Classification: Uncertain significance for Hereditary cancer-predisposing syndrome. Last evaluated: 2015-12-28. Review status: criteria provided, single submitter. Criteria: Ambry Variant Classification Scheme 2023. Collection method: clinical testing. Allele origin: germline.
Comment: The p.R1876K variant (also known as c.5627G>A), located in coding exon 15 of the APC gene, results from a G to A substitution at nucleotide position 5627. The arginine at codon 1876 is replaced by lysine, an amino acid with highly similar properties. This variant was not reported in population based cohorts in the following databases: Database of Single Nucleotide Polymorphisms (dbSNP), NHLBI Exome Sequencing Project (ESP), and 1000 Genomes Project. In the ESP, this variant was not observed in 6502 samples (13004 alleles) with coverage at this position. To date, this alteration has been detected with an allele frequency of approximately 0.001% (greater than 70000 alleles tested) in our clinical cohort. This amino acid position is well conserved in available vertebrate species. In addition, in silico predictors for this gene do not accurately predict pathogenicity. Since supporting evidence is limited at this time, the clinical significance of p.R1876K remains unclear.

NM_000038.6(APC):c.5627G>A (p.Arg1876Lys)

Gene: APC (APC regulator of Wnt signaling pathway; plus strand). Cytogenetic location: 5q22.2.
Variant type: single nucleotide variant.
Coding change: c.5627G>A on transcript NM_000038.6 (MANE Select); coding-DNA position 5627, G replaced by A.
Protein change: p.Arg1876Lys; replaces arginine 1876 with lysine.
Molecular consequence: missense variant.
Genome position (GRCh38, 1-based): chr5:112,841,221, G>A. VCF-style: chr5-112841221-G-A. GRCh37 (hg19) VCF-style: chr5-112176918-G-A.
Other names: c.5627G>A, p.Arg1876Lys (NM_001127510.3, NM_001354895.2); c.5573G>A, p.Arg1858Lys (NM_001127511.3); c.5681G>A, p.Arg1894Lys (NM_001354896.2); c.5657G>A, p.Arg1886Lys (NM_001354897.2); c.5552G>A, p.Arg1851Lys (NM_001354898.2); c.5543G>A, p.Arg1848Lys (NM_001354899.2); c.5504G>A, p.Arg1835Lys (NM_001354900.2); c.5450G>A, p.Arg1817Lys (NM_001354901.2); and 5 more; short protein forms R1593K, R1716K, R1750K, R1775K, R1785K, R1817K, R1835K, R1848K.
Identifiers: ClinVar variation 1003805 (VCV001003805.51), dbSNP rs773201570, ClinGen allele CA16033646.